The following is an entry in ClinVar:

ClinVar aggregate classification (germline): Likely pathogenic (1 of 4 stars; one submission).

Conditions:
Familial cancer of breast. Also called: BREAST CANCER, FAMILIAL; hereditary breast carcinoma; Hereditary breast cancer. Identifiers: Orphanet 227535, MedGen C0346153, MONDO:0016419, OMIM 114480. Disease mechanism: loss of function.
Fanconi anemia complementation group J. Also called: BRIP1-Related Fanconi Anemia. Identifiers: Orphanet 84, MedGen C1836860, MONDO:0012187, OMIM 609054.

Submission:

Labcorp Genetics (formerly Invitae), Labcorp
Classification: Likely pathogenic for Familial cancer of breast; Fanconi anemia complementation group J. Last evaluated: 2022-02-19. Review status: criteria provided, single submitter. Criteria: Invitae Variant Classification Sherloc (09022015). Collection method: clinical testing. Allele origin: germline.
Comment: This variant results in a copy number gain of the genomic region encompassing exon(s) 18 of the BRIP1 gene. While the exact position of this variant cannot be determined from the data, sub-genic copy number gains are generally in tandem (PMID: 25640679). This variant is predicted to be out-of-frame, and may result in an absent or disrupted protein product. Loss-of-function variants in BRIP1 are known to be pathogenic (PMID: 16116423, 17033622, 21964575). This variant has not been reported in the literature in individuals affected with BRIP1-related conditions. In summary, the currently available evidence indicates that the variant is pathogenic, but additional data are needed to prove that conclusively. Therefore, this variant has been classified as Likely Pathogenic.

Literature cited by the submitters: PubMed 25640679; PubMed 16116423; PubMed 17033622; PubMed 21964575.

NC_000017.10:g.(?_59770781)_(59770883_?)dup

Gene: BRIP1 (BRCA1 interacting DNA helicase 1; minus strand). Cytogenetic location: 17q23.2.
Variant type: Duplication.
Identifiers: ClinVar variation 2427005 (VCV002427005.3).